The following is an entry in ClinVar:

NM_001267550.2(TTN):c.54771C>T (p.Pro18257=)

Genes: TTN (titin; minus strand), TTN-AS1 (TTN antisense RNA 1; plus strand). Cytogenetic location: 2q31.2.
Variant type: single nucleotide variant.
Coding change: c.54771C>T on transcript NM_001267550.2 (MANE Select); coding-DNA position 54771, C replaced by T.
Protein change: p.Pro18257=; no amino-acid change (proline 18257 retained).
Molecular consequence: synonymous variant.
Genome position (GRCh38, 1-based): chr2:178,603,916, G>A on the plus strand (C>T on the coding strand, the complement: TTN is on the minus strand). VCF-style: chr2-178603916-G-A. GRCh37 (hg19) VCF-style: chr2-179468643-G-A.
Other names: c.49848C>T, p.Pro16616= (NM_001256850.1); c.27576C>T, p.Pro9192= (NM_003319.4); c.47067C>T, p.Pro15689= (NM_133378.4); c.27951C>T, p.Pro9317= (NM_133432.3); c.28152C>T, p.Pro9384= (NM_133437.4).
Identifiers: ClinVar variation 390455 (VCV000390455.21), dbSNP rs190716158, ClinGen allele CA1993578.

ClinVar aggregate classification (germline): Likely benign. Review status: criteria provided, multiple submitters, no conflicts (2 of 4 stars). 7 submissions from 7 submitters: Likely benign (7). Last evaluated 2026-06-01.

Conditions:
TTN-related disorder. Also called: TTN-related disorders; TTN-related condition; TTN-related disease.
Autosomal recessive limb-girdle muscular dystrophy type 2J (LGMDR10). Also called: Limb-girdle muscular dystrophy, type 2J; MUSCULAR DYSTROPHY, LIMB-GIRDLE, AUTOSOMAL RECESSIVE 10. Identifiers: Orphanet 140922, MedGen C1837342, MONDO:0012127, OMIM 608807.
Dilated cardiomyopathy 1G (CMD1G). Identifiers: Orphanet 154, MedGen C1858763, MONDO:0011400, OMIM 604145.
Cardiovascular phenotype. Identifiers: MedGen CN230736.
Cardiomyopathy (CMYO). Also called: Cardiomyopathies. Identifiers: Orphanet 167848, MedGen C0878544, MONDO:0004994, HP:0001638. Inheritance: Various modes of inheritance.

Allele frequency attached by ClinVar (database versions not stated): gnomAD exomes 0.00002 and 0.00004; ExAC 0.00005; 1000 Genomes Project 30x 0.00016; ESP Exome Variant Server 0.00017; gnomAD 0.00017 and 0.00018; 1000 Genomes Project 0.00020; TOPMed 0.00022.
gnomAD v4.1: 53 of 1,611,566 alleles (0.0033%); highest among the groups gnomAD compares: African/African-American, 0.065%; no homozygotes.

Submissions (7):

Women's Health and Genetics/Laboratory Corporation of America, LabCorp
Classification: Likely benign. Last evaluated: 2026-06-01. Review status: criteria provided, single submitter. Criteria: LabCorp Variant Classification Summary - May 2015. Collection method: clinical testing. Allele origin: germline.

Labcorp Genetics (formerly Invitae), Labcorp
Classification: Likely benign for Dilated cardiomyopathy 1G; Autosomal recessive limb-girdle muscular dystrophy type 2J. Last evaluated: 2025-11-23. Review status: criteria provided, single submitter. Criteria: Invitae Variant Classification Sherloc (09022015). Collection method: clinical testing. Allele origin: germline.

PreventionGenetics, part of Exact Sciences
Classification: Likely benign for TTN-related condition. Last evaluated: 2025-09-15. Review status: criteria provided, single submitter. Criteria: ACMG Guidelines, 2015. Collection method: clinical testing. Allele origin: germline.
Comment: This variant is classified as likely benign based on ACMG/AMP sequence variant interpretation guidelines (Richards et al. 2015 PMID: 25741868, with internal and published modifications).

Molecular Diagnostic Laboratory for Inherited Cardiovascular Disease, Montreal Heart Institute
Classification: Likely benign. Last evaluated: 2025-04-09. Review status: criteria provided, single submitter. Criteria: ACMG Guidelines, 2015. Collection method: clinical testing. Allele origin: germline. Affected: no.
Comment: BP7

GeneDx
Classification: Likely benign. Last evaluated: 2020-02-11. Review status: criteria provided, single submitter. Criteria: GeneDx Variant Classification Process June 2021. Collection method: clinical testing. Allele origin: germline. Affected: yes.

Ambry Genetics
Classification: Likely benign for Cardiovascular phenotype. Last evaluated: 2018-09-29. Review status: criteria provided, single submitter. Criteria: Ambry Variant Classification Scheme 2023. Collection method: clinical testing. Allele origin: germline.

CHEO Genetics Diagnostic Laboratory, Children's Hospital of Eastern Ontario
Classification: Likely benign for Cardiomyopathy. Last evaluated: 2016-07-27. Review status: criteria provided, single submitter. Criteria: ACMG Guidelines, 2015. Collection method: clinical testing. Allele origin: germline. Study: Canadian Open Genetics Repository.